The following is an entry in ClinVar:

ClinVar aggregate classification (germline): Benign/Likely benign. Review status: criteria provided, multiple submitters, no conflicts (2 of 4 stars). 11 submissions from 11 submitters: Benign (3); Likely benign (6). 2 of the submissions do not count toward it. Last evaluated 2026-04-01.

Conditions:
Pseudohypoaldosteronism type 2C (PHA2C). Also called: Pseudohypoaldosteronism Type IIC. Identifiers: Orphanet 757, Orphanet 88940, MedGen C1840391, MONDO:0013778, OMIM 614492.
Neuropathy, hereditary sensory and autonomic, type 2A (HSAN2A). Also called: MORVAN DISEASE; NEUROPATHY, CONGENITAL SENSORY; NEUROPATHY, HEREDITARY SENSORY RADICULAR, AUTOSOMAL RECESSIVE; NEUROPATHY, HEREDITARY SENSORY, TYPE IIA; NEUROPATHY, PROGRESSIVE SENSORY, OF CHILDREN; ACROOSTEOLYSIS, GIACCAI TYPE. Identifiers: Orphanet 970, MedGen C2752089, MONDO:0024309, OMIM 201300.
WNK1-related disorder. Also called: WNK1-related condition.
Inborn genetic diseases. Identifiers: MedGen C0950123, MeSH D030342.

Allele frequency attached by ClinVar (database versions not stated): gnomAD 0.00061; ESP Exome Variant Server 0.00062; TOPMed 0.00074; 1000 Genomes Project 30x 0.00203; ExAC 0.00215; 1000 Genomes Project 0.00220.
gnomAD v4.1: 2,069 of 1,614,112 alleles (0.13%); highest among the groups gnomAD compares: South Asian, 0.82%; 18 homozygotes.

Submissions (12):

CeGaT Center for Human Genetics Tuebingen
Classification: Likely benign. Last evaluated: 2026-04-01. Review status: criteria provided, single submitter. Criteria: CeGaT Center For Human Genetics Tuebingen Variant Classification Criteria Version 2. Collection method: clinical testing. Allele origin: germline. Affected: yes. Observed: 5 variant alleles.
Comment: WNK1: BP4, BS2

Labcorp Genetics (formerly Invitae), Labcorp
Classification: Benign for Neuropathy, hereditary sensory and autonomic, type 2A; Pseudohypoaldosteronism type 2C. Last evaluated: 2026-01-19. Review status: criteria provided, single submitter. Criteria: Invitae Variant Classification Sherloc (09022015). Collection method: clinical testing. Allele origin: germline.

PreventionGenetics, part of Exact Sciences
Classification: Likely benign for WNK1-related condition. Last evaluated: 2025-02-18. Review status: criteria provided, single submitter. Criteria: ACMG Guidelines, 2015. Collection method: clinical testing. Allele origin: germline.
Comment: This variant is classified as likely benign based on ACMG/AMP sequence variant interpretation guidelines (Richards et al. 2015 PMID: 25741868, with internal and published modifications).

Blueprint Genetics
Classification: Likely benign. Last evaluated: 2024-11-27. Review status: criteria provided, single submitter. Criteria: ACMG Guidelines, 2015. Collection method: clinical testing. Allele origin: germline.

Mayo Clinic Laboratories, Mayo Clinic
Classification: Benign. Last evaluated: 2024-10-09. Review status: criteria provided, single submitter. Criteria: ACMG Guidelines, 2015. Collection method: clinical testing. Allele origin: germline. Observed: 5 variant alleles.
Comment: BS1, BS2, BP4

ARUP Laboratories, Molecular Genetics and Genomics, ARUP Laboratories
Classification: Likely benign. Last evaluated: 2023-11-07. Review status: criteria provided, single submitter. Criteria: ARUP Molecular Germline Variant Investigation Process 2024. Collection method: clinical testing. Allele origin: germline.

GeneDx
Classification: Likely benign. Last evaluated: 2021-05-24. Review status: criteria provided, single submitter. Criteria: GeneDx Variant Classification Process June 2021. Collection method: clinical testing. Allele origin: germline. Affected: yes.

Ambry Genetics
Classification: Likely benign for Inborn genetic diseases. Last evaluated: 2019-09-26. Review status: criteria provided, single submitter. Criteria: Ambry Variant Classification Scheme 2023. Collection method: clinical testing. Allele origin: germline.

Illumina Laboratory Services, Illumina
Classification: Benign for Pseudohypoaldosteronism type 2C. Last evaluated: 2018-01-13. Review status: criteria provided, single submitter. Criteria: ICSL Variant Classification Criteria 13 December 2019. Collection method: clinical testing. Allele origin: germline.
Comment: This variant was observed in the ICSL laboratory as part of a predisposition screen in an ostensibly healthy population. It had not been previously curated by ICSL or reported in the Human Gene Mutation Database (HGMD: prior to June 1st, 2018), and was therefore a candidate for classification through an automated scoring system. Utilizing variant allele frequency, disease prevalence and penetrance estimates, and inheritance mode, an automated score was calculated to assess if this variant is too frequent to cause the disease. Based on the score and internal cut-off values, a variant classified as benign is not then subjected to further curation. The score for this variant resulted in a classification of benign for this disease.

Clinical Genetics DNA and cytogenetics Diagnostics Lab, Erasmus MC, Erasmus Medical Center
Classification: Likely benign. Review status: no assertion criteria provided. Collection method: clinical testing. Allele origin: germline. Affected: yes. Study: VKGL Data-share Consensus. Not counted in ClinVar's aggregate classification.

Clinical Genetics, Academic Medical Center
Classification: Likely benign. Review status: no assertion criteria provided. Collection method: clinical testing. Allele origin: germline. Affected: yes. Study: VKGL Data-share Consensus. Not counted in ClinVar's aggregate classification.

Dr. Peter K. Rogan Lab, Western University
No classification provided (evidence only). Condition: Malignant tumor of urinary bladder. Review status: no classification provided. Collection method: in vitro. Allele origin: not applicable. Functional consequence: retained intron. Not counted in ClinVar's aggregate classification.

NM_018979.4(WNK1):c.4354A>G (p.Thr1452Ala)

Gene: WNK1 (WNK lysine deficient protein kinase 1; plus strand). Cytogenetic location: 12p13.33.
Variant type: single nucleotide variant.
Coding change: c.4354A>G on transcript NM_018979.4 (MANE Select); coding-DNA position 4354, A replaced by G.
Protein change: p.Thr1452Ala; replaces threonine 1452 with alanine.
Molecular consequence: missense variant.
Genome position (GRCh38, 1-based): chr12:885,158, A>G. VCF-style: chr12-885158-A-G. GRCh37 (hg19) VCF-style: chr12-994324-A-G.
Other names: p.Thr1704Ala; c.5134A>G, p.Thr1712Ala (NM_001184985.2); c.3613A>G, p.Thr1205Ala (NM_014823.3); c.5110A>G, p.Thr1704Ala (NM_213655.5); short protein forms T1452A, T1704A, T1205A, T1712A.
Identifiers: ClinVar variation 310828 (VCV000310828.73), dbSNP rs142543401, ClinGen allele CA6382960.